The following is an entry in ClinVar:

NM_173076.3(ABCA12):c.3673C>T (p.Arg1225Ter)

Gene: ABCA12 (ATP binding cassette subfamily A member 12; minus strand). Cytogenetic location: 2q35.
Variant type: single nucleotide variant.
Coding change: c.3673C>T on transcript NM_173076.3 (MANE Select); coding-DNA position 3673, C replaced by T.
Protein change: p.Arg1225Ter; replaces arginine 1225 with a stop codon.
Molecular consequence: nonsense. On other transcripts: non-coding transcript variant (1).
Genome position (GRCh38, 1-based): chr2:214,989,573, G>A on the plus strand (C>T on the coding strand, the complement: ABCA12 is on the minus strand). VCF-style: chr2-214989573-G-A. GRCh37 (hg19) VCF-style: chr2-215854297-G-A.
Other names: c.2719C>T, p.Arg907Ter (NM_015657.4); short protein forms R1225*, R907*.
Identifiers: ClinVar variation 2734377 (VCV002734377.3), dbSNP rs1173722715, ClinGen allele CA350467937.

ClinVar aggregate classification (germline): Pathogenic (1 of 4 stars; one submission).

Allele frequency attached by ClinVar (database versions not stated): gnomAD exomes below 0.00001; TOPMed 0.00001.
gnomAD v4.1: 2 of 1,614,064 alleles (0.00012%); highest among the groups gnomAD compares: Non-Finnish European, 0.00017%; no homozygotes.

Submission:

Labcorp Genetics (formerly Invitae), Labcorp
Classification: Pathogenic. Last evaluated: 2023-06-27. Review status: criteria provided, single submitter. Criteria: Invitae Variant Classification Sherloc (09022015). Collection method: clinical testing. Allele origin: germline.
Comment: For these reasons, this variant has been classified as Pathogenic. This premature translational stop signal has been observed in individual(s) with congenital ichthyosis (PMID: 17986308, 29444371). This variant is not present in population databases (gnomAD no frequency). This sequence change creates a premature translational stop signal (p.Arg1225*) in the ABCA12 gene. It is expected to result in an absent or disrupted protein product. Loss-of-function variants in ABCA12 are known to be pathogenic (PMID: 20672373).

Literature cited by the submitters: PubMed 17986308; PubMed 29444371; PubMed 20672373.